The following is an entry in ClinVar:

NM_001370259.2(MEN1):c.1351-1G>C

Gene: MEN1 (menin 1; minus strand). Cytogenetic location: 11q13.1.
Variant type: single nucleotide variant.
Coding change: c.1351-1G>C on transcript NM_001370259.2 (MANE Select); the canonical splice acceptor site of the intron before coding-DNA position 1351, G replaced by C.
Molecular consequence: splice acceptor variant.
Genome position (GRCh38, 1-based): chr11:64,804,817, C>G on the plus strand (G>C on the coding strand, the complement: MEN1 is on the minus strand). VCF-style: chr11-64804817-C-G. GRCh37 (hg19) VCF-style: chr11-64572289-C-G.
Other names: c.1366-1G>C (NM_130804.3, NM_130803.3, NM_000244.4 and 4 more transcripts); c.1246-1G>C (NM_001407148.1, NM_001407149.1, NM_001370263.2 and 1 more transcripts); c.1351-1G>C (NM_130799.3, NM_001370260.2, NM_001407146.1 and 2 more transcripts); c.1477-1G>C (NM_001407144.1, NM_001370251.2, NM_001407142.1 and 1 more transcripts); c.1372-1G>C (NM_001407151.1); c.1186-1G>C (NM_001407152.1); c.1492-1G>C (NM_001407150.1).
Identifiers: ClinVar variation 200985 (VCV000200985.9), dbSNP rs794728629, ClinGen allele CA009149.

ClinVar aggregate classification (germline): Pathogenic (1 of 4 stars; one submission).

Conditions:
Multiple endocrine neoplasia, type 1 (MEN1). Also called: MEA I; MEN I; WERMER SYNDROME; Endocrine adenomatosis multiple; MEN 1. Identifiers: Orphanet 652, MedGen C0025267, MeSH D018761, MONDO:0007540, OMIM 131100.

Submission:

Labcorp Genetics (formerly Invitae), Labcorp
Classification: Pathogenic for Multiple endocrine neoplasia, type 1. Last evaluated: 2019-10-15. Review status: criteria provided, single submitter. Criteria: Invitae Variant Classification Sherloc (09022015). Collection method: clinical testing. Allele origin: germline.
Comment: For these reasons, this variant has been classified as Pathogenic. Disruption of this splice site has been observed in individuals affected with clinical features of multiple endocrine neoplasia type 1 (PMID: 10617276, Invitae). ClinVar contains an entry for this variant (Variation ID: 200985). This variant is not present in population databases (ExAC no frequency). This sequence change affects an acceptor splice site in the last intron (intron 9) of the MEN1 gene. While this is not anticipated to result in nonsense mediated decay, it likely alters RNA splicing and results in a disrupted protein product. Nucleotide substitutions within the consensus splice site are a relatively common cause of aberrant splicing (PMID: 17576681, 9536098). Experimental studies have shown that disruption of this splice site disrupts mRNA splicing (PMID: 17185897). Disruption of this splice site has been reported to affect MEN1 protein function (PMID: 17185897).

Literature cited by the submitters: PubMed 10617276; PubMed 17576681; PubMed 9536098; PubMed 17185897.